The following is an entry in ClinVar:

NM_001352754.2(ARMC9):c.2297C>T (p.Ala766Val)

Gene: ARMC9 (armadillo repeat containing 9; plus strand). Cytogenetic location: 2q37.1.
Variant type: single nucleotide variant.
Coding change: c.2297C>T on transcript NM_001352754.2 (MANE Select); coding-DNA position 2297, C replaced by T.
Protein change: p.Ala766Val; replaces alanine 766 with valine.
Molecular consequence: missense variant.
Genome position (GRCh38, 1-based): chr2:231,369,988, C>T. VCF-style: chr2-231369988-C-T. GRCh37 (hg19) VCF-style: chr2-232234699-C-T.
Other names: c.2297C>T, p.Ala766Val (NM_001271466.4); short protein forms A766V.
Identifiers: ClinVar variation 1381940 (VCV001381940.6), dbSNP rs2045955438, ClinGen allele CA350959301.

ClinVar aggregate classification (germline): Uncertain significance (1 of 4 stars; one submission).

gnomAD v4.1: 1 of 1,527,896 alleles (0.000065%); highest among the groups gnomAD compares: Non-Finnish European, 0.000088%; no homozygotes.

Submission:

Labcorp Genetics (formerly Invitae), Labcorp
Classification: Uncertain significance. Last evaluated: 2023-08-10. Review status: criteria provided, single submitter. Criteria: Invitae Variant Classification Sherloc (09022015). Collection method: clinical testing. Allele origin: germline.
Comment: In summary, the available evidence is currently insufficient to determine the role of this variant in disease. Therefore, it has been classified as a Variant of Uncertain Significance. This sequence change replaces alanine, which is neutral and non-polar, with valine, which is neutral and non-polar, at codon 766 of the ARMC9 protein (p.Ala766Val). This variant is not present in population databases (gnomAD no frequency). This variant has not been reported in the literature in individuals affected with ARMC9-related conditions. ClinVar contains an entry for this variant (Variation ID: 1381940). Experimental studies and prediction algorithms are not available or were not evaluated, and the functional significance of this variant is currently unknown.